The following is an entry in ClinVar:

ClinVar aggregate classification (germline): Benign. Review status: criteria provided, multiple submitters, no conflicts (2 of 4 stars). 9 submissions from 9 submitters: Benign (7). 2 of the submissions do not count toward it. Last evaluated 2026-02-04.

Conditions:
Glycogen storage disease, type VII (GSD7). Also called: MUSCLE PHOSPHOFRUCTOKINASE DEFICIENCY; PFKM DEFICIENCY; TARUI DISEASE; GSD VII. Identifiers: Orphanet 371, MedGen C0017926, MONDO:0009295, OMIM 232800.

Allele frequency attached by ClinVar (database versions not stated): 1000 Genomes Project 30x 0.00593; 1000 Genomes Project 0.00619; TOPMed 0.01654; gnomAD 0.01871 and 0.01954; gnomAD exomes 0.01956 and 0.02291; ExAC 0.01992; ESP Exome Variant Server 0.02030.
gnomAD v4.1: 36,049 of 1,614,122 alleles (2.2%); highest among the groups gnomAD compares: Non-Finnish European, 2.6%; 491 homozygotes.

Submissions (9):

Labcorp Genetics (formerly Invitae), Labcorp
Classification: Benign for Glycogen storage disease, type VII. Last evaluated: 2026-02-04. Review status: criteria provided, single submitter. Criteria: Invitae Variant Classification Sherloc (09022015). Collection method: clinical testing. Allele origin: germline.

ARUP Laboratories, Molecular Genetics and Genomics, ARUP Laboratories
Classification: Benign for Glycogen storage disease, type VII. Last evaluated: 2025-07-24. Review status: criteria provided, single submitter. Criteria: ARUP Molecular Germline Variant Investigation Process 2024. Collection method: clinical testing. Allele origin: germline.

Pars Genome Lab
Classification: Benign for Glycogen storage disease, type VII. Last evaluated: 2021-07-01. Review status: criteria provided, single submitter. Criteria: ACMG Guidelines, 2015. Collection method: clinical testing. Allele origin: germline. Affected: no.

Illumina Laboratory Services, Illumina
Classification: Benign for Glycogen storage disease, type VII. Last evaluated: 2018-01-13. Review status: criteria provided, single submitter. Criteria: ICSL Variant Classification Criteria 13 December 2019. Collection method: clinical testing. Allele origin: germline.
Comment: This variant was observed in the ICSL laboratory as part of a predisposition screen in an ostensibly healthy population. It had not been previously curated by ICSL or reported in the Human Gene Mutation Database (HGMD: prior to June 1st, 2018), and was therefore a candidate for classification through an automated scoring system. Utilizing variant allele frequency, disease prevalence and penetrance estimates, and inheritance mode, an automated score was calculated to assess if this variant is too frequent to cause the disease. Based on the score and internal cut-off values, a variant classified as benign is not then subjected to further curation. The score for this variant resulted in a classification of benign for this disease.

GeneDx
Classification: Benign. Last evaluated: 2016-02-24. Review status: criteria provided, single submitter. Criteria: GeneDx Variant Classification (06012015). Collection method: clinical testing. Allele origin: germline. Affected: yes.
Comment: This variant is considered likely benign or benign based on one or more of the following criteria: it is a conservative change, it occurs at a poorly conserved position in the protein, it is predicted to be benign by multiple in silico algorithms, and/or has population frequency not consistent with disease.

Breakthrough Genomics
Classification: Benign. Review status: criteria provided, single submitter. Criteria: ACMG Guidelines, 2015. Collection method: not provided. Allele origin: germline. Inheritance: Autosomal recessive inheritance. Affected: yes.

PreventionGenetics, part of Exact Sciences
Classification: Benign. Review status: criteria provided, single submitter. Criteria: ACMG Guidelines, 2015. Collection method: clinical testing. Allele origin: germline.

Natera, Inc.
Classification: Benign for Glycogen storage disease type VII. Last evaluated: 2020-09-16. Review status: no assertion criteria provided. Collection method: clinical testing. Allele origin: germline. Not counted in ClinVar's aggregate classification.

Mayo Clinic Laboratories, Mayo Clinic
Classification: Likely benign. Last evaluated: 2017-05-01. Review status: no assertion criteria provided. Collection method: clinical testing. Allele origin: unknown. Not counted in ClinVar's aggregate classification.

NM_000289.6(PFKM):c.306C>T (p.Ala102=)

Gene: PFKM (phosphofructokinase, muscle; plus strand). Cytogenetic location: 12q13.11.
Variant type: single nucleotide variant.
Coding change: c.306C>T on transcript NM_000289.6 (MANE Select); coding-DNA position 306, C replaced by T.
Protein change: p.Ala102=; no amino-acid change (alanine 102 retained).
Molecular consequence: synonymous variant. On other transcripts: non-coding transcript variant (6).
Genome position (GRCh38, 1-based): chr12:48,132,936, C>T. VCF-style: chr12-48132936-C-T. GRCh37 (hg19) VCF-style: chr12-48526719-C-T.
Other names: c.519C>T, p.Ala173= (NM_001166686.2, NM_001354737.1, NM_001354738.1 and 1 more transcripts); c.306C>T, p.Ala102= (NM_001166687.2, NM_001166688.2, NM_001354742.2 and 4 more transcripts); c.615C>T, p.Ala205= (NM_001354735.1, NM_001354736.1); c.450C>T, p.Ala150= (NM_001354740.1); c.330C>T, p.Ala110= (NM_001354741.2); c.219C>T, p.Ala73= (NM_001354745.2); c.156C>T, p.Ala52= (NM_001354747.2, NM_001354748.2).
Identifiers: ClinVar variation 255761 (VCV000255761.35), dbSNP rs11552507, ClinGen allele CA6536962.